The following is an entry in ClinVar:

NM_080680.3(COL11A2):c.362G>T (p.Arg121Leu)

Gene: COL11A2 (collagen type XI alpha 2 chain; minus strand). Cytogenetic location: 6p21.32.
Variant type: single nucleotide variant.
Coding change: c.362G>T on transcript NM_080680.3 (MANE Select); coding-DNA position 362, G replaced by T.
Protein change: p.Arg121Leu; replaces arginine 121 with leucine.
Molecular consequence: missense variant. On other transcripts: 5 prime UTR variant (3), non-coding transcript variant (1).
Genome position (GRCh38, 1-based): chr6:33,189,059, C>A on the plus strand (G>T on the coding strand, the complement: COL11A2 is on the minus strand). VCF-style: chr6-33189059-C-A. GRCh37 (hg19) VCF-style: chr6-33156836-C-A.
Other names: c.362G>T, p.Arg121Leu (NM_001163771.2, NM_001424108.1, NM_080679.3 and 1 more transcripts); c.-485G>T (NM_001424109.1, NM_001424110.1, NM_001424111.1); short protein forms R121L.
Identifiers: ClinVar variation 3635267 (VCV003635267.2).

ClinVar aggregate classification (germline): Uncertain significance (1 of 4 stars; one submission).

gnomAD v4.1: 5 of 1,614,058 alleles (0.00031%); highest among the groups gnomAD compares: Non-Finnish European, 0.00042%; no homozygotes.

Submission:

Labcorp Genetics (formerly Invitae), Labcorp
Classification: Uncertain significance. Last evaluated: 2024-10-03. Review status: criteria provided, single submitter. Criteria: Invitae Variant Classification Sherloc (09022015). Collection method: clinical testing. Allele origin: germline.
Comment: This sequence change replaces arginine, which is basic and polar, with leucine, which is neutral and non-polar, at codon 121 of the COL11A2 protein (p.Arg121Leu). This variant is present in population databases (rs148765616, gnomAD 0.003%). This variant has not been reported in the literature in individuals affected with COL11A2-related conditions. Invitae Evidence Modeling of protein sequence and biophysical properties (such as structural, functional, and spatial information, amino acid conservation, physicochemical variation, residue mobility, and thermodynamic stability) indicates that this missense variant is not expected to disrupt COL11A2 protein function with a negative predictive value of 95%. In summary, the available evidence is currently insufficient to determine the role of this variant in disease. Therefore, it has been classified as a Variant of Uncertain Significance.